The following is an entry in ClinVar:

ClinVar aggregate classification (germline): Pathogenic. Review status: criteria provided, single submitter (1 of 4 stars). 2 submissions from 2 submitters: Pathogenic (1). 1 of the submissions does not count toward it.

Conditions:
Autosomal recessive nonsyndromic hearing loss 59. Identifiers: Orphanet 90636, MedGen C1857744, MONDO:0012445, OMIM 610220.

Submissions (2):

Genetics Research Center, University of Social Welfare and Rehabilitation Sciences
Classification: Pathogenic for Autosomal recessive nonsyndromic hearing loss 59. Review status: criteria provided, single submitter. Criteria: ACMG Guidelines, 2015. Collection method: research. Allele origin: germline. Affected: yes.
Comment: The variant is not present in the gnomAD v2.1.1 dataset and has been previously reported in individual(s) affected with PJVK-related hearing loss (PMID:17329413). It is a premature termination codon expected to result in an absent or disrupted protein product.

OMIM
Classification: Pathogenic for DEAFNESS, AUTOSOMAL RECESSIVE 59. Last evaluated: 2007-02-28. Review status: no assertion criteria provided. Collection method: literature only. Allele origin: germline. Not counted in ClinVar's aggregate classification.

Literature cited by the submitters: PubMed 17329413 (cited by Genetics Research Center, University of Social Welfare and Rehabilitation Sciences and OMIM).

NM_001042702.5(PJVK):c.122del (p.Lys41fs)

Gene: PJVK (pejvakin; plus strand). Cytogenetic location: 2q31.2.
Variant type: Deletion.
Coding change: c.122del on transcript NM_001042702.5 (MANE Select); coding-DNA position 122, one base deleted (A; older notation c.122delA).
Protein change: p.Lys41fs; shifts the reading frame from lysine 41.
Molecular consequence: frameshift variant. On other transcripts: 5 prime UTR variant (1), intron variant (1).
Genome position (GRCh38, 1-based): chr2:178,453,531, A deleted; the last of 2 consecutive A bases (chr2:178,453,530-178,453,531); deleting either gives the same sequence. VCF-style (leftmost placement, unchanged base first): chr2-178453529-GA-G. GRCh37 (hg19) VCF-style: chr2-179318256-GA-G.
Other names: c.131del, p.Lys44fs (NM_001353775.2); c.227del, p.Lys76fs (NM_001353776.2); c.-356del (NM_001353778.2); c.122del, p.Lys41fs (NM_001369912.1); c.-334-22del (NM_001353777.1); short protein forms K41fs, K76fs, K44fs.
Identifiers: ClinVar variation 1303 (VCV000001303.3), dbSNP rs1559366000, ClinGen allele CA891843207.